The following is an entry in ClinVar:

ClinVar aggregate classification (germline): Uncertain significance (1 of 4 stars; one submission).

Conditions:
Brugada syndrome 8 (BRGDA8). Identifiers: Orphanet 130, MedGen C2751083, MONDO:0013148, OMIM 613123.

Submission:

Labcorp Genetics (formerly Invitae), Labcorp
Classification: Uncertain significance for Brugada syndrome 8. Last evaluated: 2023-01-24. Review status: criteria provided, single submitter. Criteria: Invitae Variant Classification Sherloc (09022015). Collection method: clinical testing. Allele origin: germline.
Comment: This variant, c.2593_2610del, results in the deletion of 6 amino acid(s) of the HCN4 protein (p.Phe865_Gly870del), but otherwise preserves the integrity of the reading frame. This variant is not present in population databases (gnomAD no frequency). This variant has not been reported in the literature in individuals affected with HCN4-related conditions. Experimental studies and prediction algorithms are not available or were not evaluated, and the functional significance of this variant is currently unknown. In summary, the available evidence is currently insufficient to determine the role of this variant in disease. Therefore, it has been classified as a Variant of Uncertain Significance.

NM_005477.3(HCN4):c.2593_2610del (p.Phe865_Gly870del)

Gene: HCN4 (hyperpolarization activated cyclic nucleotide gated potassium channel 4; minus strand). Cytogenetic location: 15q24.1.
Variant type: Deletion.
Coding change: c.2593_2610del on transcript NM_005477.3 (MANE Select); coding-DNA positions 2593 to 2610, 18 bases deleted (TTCTCTGCCCCCGCTGGA).
Protein change: p.Phe865_Gly870del.
Molecular consequence: inframe deletion.
Genome position (GRCh38, 1-based): chr15:73,323,483-73,323,500, TCCAGCGGGGGCAGAGAA deleted on the plus strand (TTCTCTGCCCCCGCTGGA on the coding strand, the reverse complement: HCN4 is on the minus strand); deleting any 18 consecutive bases within chr15:73,323,483-73,323,506 gives the same sequence; the c. name uses the placement nearest the transcript's 3' end. VCF-style (leftmost placement, unchanged base first): chr15-73323482-GTCCAGCGGGGGCAGAGAA-G. GRCh37 (hg19) VCF-style: chr15-73615823-GTCCAGCGGGGGCAGAGAA-G.
Identifiers: ClinVar variation 2831795 (VCV002831795.3), dbSNP rs2549068805, ClinGen allele CA2739269578.